The following is an entry in ClinVar:

ClinVar aggregate classification (germline): Uncertain significance (1 of 4 stars; one submission).

Allele frequency attached by ClinVar (database versions not stated): gnomAD exomes below 0.00001; TOPMed below 0.00001; gnomAD 0.00001.
gnomAD v4.1: 2 of 1,613,702 alleles (0.00012%); highest among the groups gnomAD compares: Non-Finnish European, 0.00017%; no homozygotes.

Submission:

Labcorp Genetics (formerly Invitae), Labcorp
Classification: Uncertain significance. Last evaluated: 2024-04-16. Review status: criteria provided, single submitter. Criteria: Invitae Variant Classification Sherloc (09022015). Collection method: clinical testing. Allele origin: germline.
Comment: This sequence change falls in intron 28 of the USH2A gene. It does not directly change the encoded amino acid sequence of the USH2A protein. It affects a nucleotide within the consensus splice site. The frequency data for this variant in the population databases is considered unreliable, as metrics indicate poor data quality at this position in the gnomAD database. This variant has been observed in individual(s) with USH2A-related conditions (Invitae). ClinVar contains an entry for this variant (Variation ID: 852352). Variants that disrupt the consensus splice site are a relatively common cause of aberrant splicing (PMID: 17576681, 9536098). Algorithms developed to predict the effect of sequence changes on RNA splicing suggest that this variant is not likely to affect RNA splicing. In summary, the available evidence is currently insufficient to determine the role of this variant in disease. Therefore, it has been classified as a Variant of Uncertain Significance.

Literature cited by the submitters: PubMed 17576681; PubMed 9536098.

NM_206933.4(USH2A):c.5776+5T>A

Genes: USH2A (usherin; minus strand), USH2A-AS2 (USH2A antisense RNA 2; plus strand). Cytogenetic location: 1q41.
Variant type: single nucleotide variant.
Coding change: c.5776+5T>A on transcript NM_206933.4 (MANE Select); 5 bases into the intron after coding-DNA position 5776, T replaced by A.
Molecular consequence: intron variant.
Genome position (GRCh38, 1-based): chr1:216,073,092, A>T on the plus strand (T>A on the coding strand, the complement: USH2A is on the minus strand). VCF-style: chr1-216073092-A-T. GRCh37 (hg19) VCF-style: chr1-216246434-A-T.
Identifiers: ClinVar variation 852352 (VCV000852352.6), dbSNP rs1164972172, ClinGen allele CA529002549.